The following is an entry in ClinVar:

ClinVar aggregate classification (germline): Uncertain significance. Review status: criteria provided, multiple submitters, no conflicts (2 of 4 stars). 2 submissions from 2 submitters: Uncertain significance (2). Last evaluated 2025-04-23.

Conditions:
Primary familial hypertrophic cardiomyopathy (HCM). Identifiers: Orphanet 99739, MedGen C0949658, MeSH D024741, MONDO:0024573. Inheritance: Various modes of inheritance.

gnomAD v4.1: 6 of 1,614,184 alleles (0.00037%); highest among the groups gnomAD compares: Admixed American, 0.0083%; no homozygotes.

Submissions (2):

Labcorp Genetics (formerly Invitae), Labcorp
Classification: Uncertain significance for Primary familial hypertrophic cardiomyopathy. Last evaluated: 2025-04-23. Review status: criteria provided, single submitter. Criteria: Invitae Variant Classification Sherloc (09022015). Collection method: clinical testing. Allele origin: germline.
Comment: This sequence change replaces threonine, which is neutral and polar, with isoleucine, which is neutral and non-polar, at codon 172 of the ILK protein (p.Thr172Ile). This variant is present in population databases (rs756271344, gnomAD 0.006%). This variant has not been reported in the literature in individuals affected with ILK-related conditions. ClinVar contains an entry for this variant (Variation ID: 3528894). An algorithm developed to predict the effect of missense changes on protein structure and function (PolyPhen-2) suggests that this variant is likely to be tolerated. In summary, the available evidence is currently insufficient to determine the role of this variant in disease. Therefore, it has been classified as a Variant of Uncertain Significance.

Ambry Genetics
Classification: Uncertain significance. Last evaluated: 2024-11-10. Review status: criteria provided, single submitter. Criteria: Ambry Variant Classification Scheme 2023. Collection method: clinical testing. Allele origin: germline.
Comment: The p.T172I variant (also known as c.515C>T), located in coding exon 5 of the ILK gene, results from a C to T substitution at nucleotide position 515. The threonine at codon 172 is replaced by isoleucine, an amino acid with similar properties. This amino acid position is conserved. In addition, the in silico prediction for this alteration is inconclusive. Based on the available evidence, the clinical significance of this variant remains unclear.

NM_004517.4(ILK):c.515C>T (p.Thr172Ile)

Genes: ILK (integrin linked kinase; plus strand), TAF10 (TATA-box binding protein associated factor 10; minus strand). Cytogenetic location: 11p15.4.
Variant type: single nucleotide variant.
Coding change: c.515C>T on transcript NM_004517.4 (MANE Select); coding-DNA position 515, C replaced by T.
Protein change: p.Thr172Ile; replaces threonine 172 with isoleucine.
Molecular consequence: missense variant. On other transcripts: 3 prime UTR variant (1).
Genome position (GRCh38, 1-based): chr11:6,608,950, C>T. VCF-style: chr11-6608950-C-T. GRCh37 (hg19) VCF-style: chr11-6630181-C-T.
Other names: c.515C>T, p.Thr172Ile (NM_001014794.3, NM_001014795.3); c.418C>T, p.Pro140Ser (NM_001278441.2); c.113C>T, p.Thr38Ile (NM_001278442.2); c.*1972G>A (NM_006284.4); short protein forms T172I, P140S, T38I.
Identifiers: ClinVar variation 3528894 (VCV003528894.3).